The following is an entry in ClinVar:

NM_001243279.3(ACSF3):c.978-7C>T

Genes: ACSF3 (acyl-CoA synthetase family member 3; plus strand), LOC125177393 (P300/CBP strongly-dependent group 1 enhancer GRCh37_chr16:89180375-89181574; plus strand). Cytogenetic location: 16q24.3.
Variant type: single nucleotide variant.
Coding change: c.978-7C>T on transcript NM_001243279.3 (MANE Select); 7 bases into the intron before coding-DNA position 978, C replaced by T.
Molecular consequence: intron variant.
Genome position (GRCh38, 1-based): chr16:89,114,332, C>T. VCF-style: chr16-89114332-C-T. GRCh37 (hg19) VCF-style: chr16-89180740-C-T.
Other names: c.978-7C>T (NM_001127214.4, NM_174917.5); c.183-7C>T (NM_001284316.2).
Identifiers: ClinVar variation 388630 (VCV000388630.40), dbSNP rs190927208, ClinGen allele CA8237920.

ClinVar aggregate classification (germline): Likely benign. Review status: criteria provided, multiple submitters, no conflicts (2 of 4 stars). 6 submissions from 6 submitters: Likely benign (5). 1 of the submissions does not count toward it. Last evaluated 2026-01-16.

Conditions:
Combined malonic and methylmalonic acidemia. Identifiers: Orphanet 289504, MedGen C3280314, MONDO:0013661, OMIM 614265.
ACSF3-related disorder. Also called: ACSF3-related condition.

Allele frequency attached by ClinVar (database versions not stated): ExAC 0.00051; gnomAD 0.00051; gnomAD exomes 0.00051; TOPMed 0.00061; ESP Exome Variant Server 0.00062; 1000 Genomes Project 30x 0.00016; 1000 Genomes Project 0.00020.
gnomAD v4.1: 1,336 of 1,613,912 alleles (0.083%); highest among the groups gnomAD compares: Non-Finnish European, 0.1%; 1 homozygote.

Submissions (6):

Labcorp Genetics (formerly Invitae), Labcorp
Classification: Likely benign for Combined malonic and methylmalonic acidemia. Last evaluated: 2026-01-16. Review status: criteria provided, single submitter. Criteria: Invitae Variant Classification Sherloc (09022015). Collection method: clinical testing. Allele origin: germline.

Blueprint Genetics
Classification: Likely benign. Last evaluated: 2024-11-07. Review status: criteria provided, single submitter. Criteria: ACMG Guidelines, 2015. Collection method: clinical testing. Allele origin: germline.

CeGaT Center for Human Genetics Tuebingen
Classification: Likely benign. Last evaluated: 2024-05-01. Review status: criteria provided, single submitter. Criteria: CeGaT Center For Human Genetics Tuebingen Variant Classification Criteria Version 2. Collection method: clinical testing. Allele origin: germline. Affected: yes. Observed: 1 variant allele.
Comment: ACSF3: BP4

GeneDx
Classification: Likely benign. Last evaluated: 2017-04-12. Review status: criteria provided, single submitter. Criteria: GeneDx Variant Classification (06012015). Collection method: clinical testing. Allele origin: germline. Affected: yes.
Comment: This variant is considered likely benign or benign based on one or more of the following criteria: it is a conservative change, it occurs at a poorly conserved position in the protein, it is predicted to be benign by multiple in silico algorithms, and/or has population frequency not consistent with disease.

ARUP Laboratories, Molecular Genetics and Genomics, ARUP Laboratories
Classification: Likely benign. Last evaluated: 2017-03-17. Review status: criteria provided, single submitter. Criteria: ARUP Molecular Germline Variant Investigation Process. Collection method: clinical testing. Allele origin: germline.

PreventionGenetics, part of Exact Sciences
Classification: Likely benign for ACSF3-related condition. Last evaluated: 2019-03-13. Review status: no assertion criteria provided. Collection method: clinical testing. Allele origin: germline. Not counted in ClinVar's aggregate classification.
Comment: This variant is classified as likely benign based on ACMG/AMP sequence variant interpretation guidelines (Richards et al. 2015 PMID: 25741868, with internal and published modifications).